The following is an entry in ClinVar:

NM_001142800.2(EYS):c.5056A>G (p.Lys1686Glu)

Gene: EYS (EGF-like photoreceptor maintenance factor; minus strand). Cytogenetic location: 6q12.
Variant type: single nucleotide variant.
Coding change: c.5056A>G on transcript NM_001142800.2 (MANE Select); coding-DNA position 5056, A replaced by G.
Protein change: p.Lys1686Glu; replaces lysine 1686 with glutamic acid.
Molecular consequence: missense variant.
Genome position (GRCh38, 1-based): chr6:64,590,811, T>C on the plus strand (A>G on the coding strand, the complement: EYS is on the minus strand). VCF-style: chr6-64590811-T-C. GRCh37 (hg19) VCF-style: chr6-65300704-T-C.
Other names: c.5056A>G, p.Lys1686Glu (NM_001292009.2); short protein forms K1686E.
Identifiers: ClinVar variation 1362947 (VCV001362947.8), dbSNP rs1562079432, ClinGen allele CA364781955.
Genomic context (GRCh38, chr6:64,590,811, plus strand): 5'-GTCTTATTTTCAATAGTTTTAAAATGTTTTCTGATACTGACAGTTCATCAGTAGTCATTT[T>C]TGAAGTCAAATCAGAATTCATCAAGTCTGAAGAGATAGTTTGTGAAGGGACAATGGATAA-3'
Protein context (NP_001136272.1, residues 1676-1696): SDLMNSDLTS[Lys1686Glu]MTTDELSVSE

ClinVar aggregate classification (germline): Uncertain significance (1 of 4 stars; one submission).

Allele frequency attached by ClinVar (database versions not stated): gnomAD exomes 0.00001.
gnomAD v4.1: 6 of 1,550,172 alleles (0.00039%); highest among the groups gnomAD compares: Non-Finnish European, 0.00052%; no homozygotes.

Submission:

Labcorp Genetics (formerly Invitae), Labcorp
Classification: Uncertain significance. Last evaluated: 2022-06-14. Review status: criteria provided, single submitter. Criteria: Invitae Variant Classification Sherloc (09022015). Collection method: clinical testing. Allele origin: germline.
Comment: Algorithms developed to predict the effect of sequence changes on RNA splicing suggest that this variant may create or strengthen a splice site. In summary, the available evidence is currently insufficient to determine the role of this variant in disease. Therefore, it has been classified as a Variant of Uncertain Significance. Algorithms developed to predict the effect of missense changes on protein structure and function output the following: SIFT: "Tolerated"; PolyPhen-2: "Benign"; Align-GVGD: "Class C0". The glutamic acid amino acid residue is found in multiple mammalian species, which suggests that this missense change does not adversely affect protein function. This variant has not been reported in the literature in individuals affected with EYS-related conditions. This variant is not present in population databases (gnomAD no frequency). This sequence change replaces lysine, which is basic and polar, with glutamic acid, which is acidic and polar, at codon 1686 of the EYS protein (p.Lys1686Glu).